The following is an entry in ClinVar:

NM_006757.4(TNNT3):c.329G>C (p.Arg110Pro)

Gene: TNNT3 (troponin T3, fast skeletal type; plus strand). Cytogenetic location: 11p15.5.
Variant type: single nucleotide variant.
Coding change: c.329G>C on transcript NM_006757.4 (MANE Select); coding-DNA position 329, G replaced by C.
Protein change: p.Arg110Pro; replaces arginine 110 with proline.
Molecular consequence: missense variant.
Genome position (GRCh38, 1-based): chr11:1,933,971, G>C. VCF-style: chr11-1933971-G-C. GRCh37 (hg19) VCF-style: chr11-1955201-G-C.
Other names: c.305G>C, p.Arg102Pro (NM_001042780.3, NM_001042782.3, NM_001297646.2 and 2 more transcripts); c.323G>C, p.Arg108Pro (NM_001042781.3, NM_001367842.1, NM_001367843.1); c.338G>C, p.Arg113Pro (NM_001363561.2, NM_001367847.1); c.362G>C, p.Arg121Pro (NM_001367846.1); c.326G>C, p.Arg109Pro (NM_001367848.1); c.317G>C, p.Arg106Pro (NM_001367849.1); c.272G>C, p.Arg91Pro (NM_001367850.1); c.125G>C, p.Arg42Pro (NM_001367851.1, NM_001367852.1); short protein forms R102P, R106P, R108P, R109P, R110P, R113P, R121P, R42P.
Identifiers: ClinVar variation 3906777 (VCV003906777.1).

ClinVar aggregate classification (germline): Uncertain significance (1 of 4 stars; one submission).

Submission:

GeneDx
Classification: Uncertain significance. Last evaluated: 2024-12-17. Review status: criteria provided, single submitter. Criteria: GeneDx Variant Classification Process June 2021. Collection method: clinical testing. Allele origin: germline. Affected: yes.
Comment: Not observed at significant frequency in large population cohorts (gnomAD); In silico analysis supports that this missense variant has a deleterious effect on protein structure/function; Has not been previously published as pathogenic or benign to our knowledge